The following is an entry in ClinVar:

ClinVar aggregate classification (germline): Pathogenic (0 of 4 stars; one submission).

Conditions:
Heterotaxy, visceral, 12, autosomal (HTX12). Identifiers: MedGen C5676898, MONDO:0859222, OMIM 619702.

gnomAD v4.1: 11 of 702,850 alleles (0.0016%); highest among the groups gnomAD compares: African/African-American, 0.007%; no homozygotes.

Submission:

OMIM
Classification: Pathogenic for HETEROTAXY, VISCERAL, 12, AUTOSOMAL. Last evaluated: 2022-03-15. Review status: no assertion criteria provided. Collection method: literature only. Allele origin: germline.

Literature cited by the submitters: Szenker-Ravi, E. Personal Communication. 2022. Singapore.

NM_001354640.2(CIROP):c.571C>T (p.Arg191Ter)

Gene: CIROP (ciliated left-right organizer metallopeptidase; minus strand). Cytogenetic location: 14q11.2.
Variant type: single nucleotide variant.
Coding change: c.571C>T on transcript NM_001354640.2 (MANE Select); coding-DNA position 571, C replaced by T.
Protein change: p.Arg191Ter; replaces arginine 191 with a stop codon.
Molecular consequence: nonsense.
Genome position (GRCh38, 1-based): chr14:23,103,707, G>A on the plus strand (C>T on the coding strand, the complement: CIROP is on the minus strand). VCF-style: chr14-23103707-G-A. GRCh37 (hg19) VCF-style: chr14-23572916-G-A.
Other names: R194*; c.580C>T (NM_001402427.1); short protein forms R191*.
Identifiers: ClinVar variation 1344495 (VCV001344495.1), dbSNP rs764530848, ClinGen allele CA7110999.
Genomic context (GRCh38, chr14:23,103,707, plus strand): 5'-GGGAAAGGAAATTTGATTTGAACTTCACCTCTTGGTGGCACTTGGAAGTGTGAGCAACTC[G>A]CACATACAGGAGAAAATCAGTGTTTTGGACCCCAGGCCCATCTGGCTGGACCAGTTGTGG-3'